The following is an entry in ClinVar:

NM_004369.4(COL6A3):c.4042T>C (p.Ser1348Pro)

Gene: COL6A3 (collagen type VI alpha 3 chain; minus strand). Cytogenetic location: 2q37.3.
Variant type: single nucleotide variant.
Coding change: c.4042T>C on transcript NM_004369.4 (MANE Select); coding-DNA position 4042, T replaced by C.
Protein change: p.Ser1348Pro; replaces serine 1348 with proline.
Molecular consequence: missense variant.
Genome position (GRCh38, 1-based): chr2:237,371,975, A>G on the plus strand (T>C on the coding strand, the complement: COL6A3 is on the minus strand). VCF-style: chr2-237371975-A-G. GRCh37 (hg19) VCF-style: chr2-238280618-A-G.
Other names: c.2821T>C, p.Ser941Pro (NM_057164.5); c.3424T>C, p.Ser1142Pro (NM_057165.5, NM_057167.4); c.2221T>C, p.Ser741Pro (NM_057166.5); short protein forms S941P, S741P, S1348P, S1142P.
Identifiers: ClinVar variation 2916965 (VCV002916965.3), dbSNP rs1271599306, ClinGen allele CA351197272.

ClinVar aggregate classification (germline): Uncertain significance (1 of 4 stars; one submission).

Conditions:
Bethlem myopathy 1A. Also called: MYOPATHY, BENIGN CONGENITAL, WITH CONTRACTURES; Bethlem myopathy 1; Bethlem Muscular Dystrophy. Identifiers: Orphanet 610, MedGen CN029274, MONDO:0024530, OMIM 158810.

Allele frequency attached by ClinVar (database versions not stated): gnomAD exomes below 0.00001.
gnomAD v4.1: 3 of 1,613,932 alleles (0.00019%); highest among the groups gnomAD compares: Non-Finnish European, 0.00025%; no homozygotes.

Submission:

Labcorp Genetics (formerly Invitae), Labcorp
Classification: Uncertain significance for Bethlem myopathy 1A. Last evaluated: 2023-08-17. Review status: criteria provided, single submitter. Criteria: Invitae Variant Classification Sherloc (09022015). Collection method: clinical testing. Allele origin: germline.
Comment: This sequence change replaces serine, which is neutral and polar, with proline, which is neutral and non-polar, at codon 1348 of the COL6A3 protein (p.Ser1348Pro). This variant is not present in population databases (gnomAD no frequency). This variant has not been reported in the literature in individuals affected with COL6A3-related conditions. Advanced modeling of protein sequence and biophysical properties (such as structural, functional, and spatial information, amino acid conservation, physicochemical variation, residue mobility, and thermodynamic stability) performed at Invitae indicates that this missense variant is not expected to disrupt COL6A3 protein function. In summary, the available evidence is currently insufficient to determine the role of this variant in disease. Therefore, it has been classified as a Variant of Uncertain Significance.